The following is an entry in ClinVar:

NM_001194998.2(CEP152):c.494C>G (p.Ala165Gly)

Gene: CEP152 (centrosomal protein 152; minus strand). Cytogenetic location: 15q21.1.
Variant type: single nucleotide variant.
Coding change: c.494C>G on transcript NM_001194998.2 (MANE Select); coding-DNA position 494, C replaced by G.
Protein change: p.Ala165Gly; replaces alanine 165 with glycine.
Molecular consequence: missense variant.
Genome position (GRCh38, 1-based): chr15:48,797,347, G>C on the plus strand (C>G on the coding strand, the complement: CEP152 is on the minus strand). VCF-style: chr15-48797347-G-C. GRCh37 (hg19) VCF-style: chr15-49089544-G-C.
Other names: c.494C>G (NM_014985.3, NM_001194998.1); c.494C>G, p.Ala165Gly (NM_014985.4); short protein forms A165G.
Identifiers: ClinVar variation 1507438 (VCV001507438.5), dbSNP rs755941056, ClinGen allele CA7549118.
Genomic context (GRCh38, chr15:48,797,347, plus strand): 5'-AGTTTTTACAATACCTGAAAATGGTTCCATTGAGGATCTGAAAATTTAATTACATTGGTT[G>C]CTTGGTTATTAAATTCCTGCTTCTGACCATTGGTATATGGCCTAAAGTTTTCAGGAAGGT-3'
Protein context (NP_001181927.1, residues 155-175): NGQKQEFNNQ[Ala165Gly]TNVIKFSDPQ

ClinVar aggregate classification (germline): Uncertain significance. Review status: criteria provided, multiple submitters, no conflicts (2 of 4 stars). 3 submissions from 3 submitters: Uncertain significance (2). 1 of the submissions does not count toward it. Last evaluated 2023-05-08.

Conditions:
Inborn genetic diseases. Identifiers: MedGen C0950123, MeSH D030342.
CEP152-related disorder. Also called: CEP152-related disorders; CEP152-related condition. Identifiers: MedGen CN239248.

Allele frequency attached by ClinVar (database versions not stated): ExAC 0.00002; gnomAD exomes 0.00002 and 0.00003.
gnomAD v4.1: 29 of 1,614,024 alleles (0.0018%); highest among the groups gnomAD compares: Non-Finnish European, 0.0024%; no homozygotes.

Submissions (3):

Ambry Genetics
Classification: Uncertain significance for Inborn genetic diseases. Last evaluated: 2023-05-08. Review status: criteria provided, single submitter. Criteria: Ambry Variant Classification Scheme 2023. Collection method: clinical testing. Allele origin: germline.

Labcorp Genetics (formerly Invitae), Labcorp
Classification: Uncertain significance. Last evaluated: 2021-10-24. Review status: criteria provided, single submitter. Criteria: Invitae Variant Classification Sherloc (09022015). Collection method: clinical testing. Allele origin: germline.
Comment: This sequence change replaces alanine, which is neutral and non-polar, with glycine, which is neutral and non-polar, at codon 165 of the CEP152 protein (p.Ala165Gly). This variant is present in population databases (rs755941056, gnomAD 0.007%). This variant has not been reported in the literature in individuals affected with CEP152-related conditions. Algorithms developed to predict the effect of missense changes on protein structure and function (SIFT, PolyPhen-2, Align-GVGD) all suggest that this variant is likely to be tolerated. In summary, the available evidence is currently insufficient to determine the role of this variant in disease. Therefore, it has been classified as a Variant of Uncertain Significance.

PreventionGenetics, part of Exact Sciences
Classification: Uncertain significance for CEP152-related condition. Last evaluated: 2024-08-30. Review status: no assertion criteria provided. Collection method: clinical testing. Allele origin: germline. Not counted in ClinVar's aggregate classification.
Comment: The CEP152 c.494C>G variant is predicted to result in the amino acid substitution p.Ala165Gly. To our knowledge, this variant has not been reported in the literature. This variant is reported in 0.0071% of alleles in individuals of European (Non-Finnish) descent in gnomAD. At this time, the clinical significance of this variant is uncertain due to the absence of conclusive functional and genetic evidence.